The following is an entry in ClinVar:

ClinVar aggregate classification (germline): Pathogenic/Likely pathogenic. Review status: criteria provided, multiple submitters, no conflicts (2 of 4 stars). 5 submissions from 5 submitters: Pathogenic (3); Likely pathogenic (1). 1 of the submissions does not count toward it. Last evaluated 2025-08-28.

Conditions:
Infantile cerebral and cerebellar atrophy with postnatal progressive microcephaly (MSBA). Identifiers: Orphanet 402364, MedGen C3150921, MONDO:0013351, OMIM 613668.

Submissions (5):

Natera, Inc.
Classification: Likely pathogenic for Postnatal progressive microcephaly with seizures and brain atrophy. Last evaluated: 2025-08-28. Review status: criteria provided, single submitter. Criteria: Natera Variant Classification Schema (03/2026). Collection method: clinical testing. Allele origin: germline.
Comment: The c.1112T>C variant in MED17 is a missense variant predicted to cause substitution of leucine to proline at amino acid 371. This variant is rare in the general population with a frequency below the threshold expected for the associated phenotype(s). This variant has been observed in one or more individuals affected with the associated recessive disease, as either homozygous or compound heterozygous with a second variant (PMID: 33756211, 20950787). This variant has been identified in one or more affected individuals with a phenotype highly consistent with the associated gene (PMID: 33756211). Computational prediction algorithms indicate this variant is likely to affect gene or protein function. Given the available evidence, this variant is classified as Likely Pathogenic.

Fulgent Genetics
Classification: Pathogenic for Infantile cerebral and cerebellar atrophy with postnatal progressive microcephaly. Last evaluated: 2024-03-27. Review status: criteria provided, single submitter. Criteria: ACMG Guidelines, 2015. Collection method: clinical testing. Allele origin: germline.

Labcorp Genetics (formerly Invitae), Labcorp
Classification: Pathogenic. Last evaluated: 2023-12-26. Review status: criteria provided, single submitter. Criteria: Invitae Variant Classification Sherloc (09022015). Collection method: clinical testing. Allele origin: germline.
Comment: This sequence change replaces leucine, which is neutral and non-polar, with proline, which is neutral and non-polar, at codon 371 of the MED17 protein (p.Leu371Pro). This variant is not present in population databases (gnomAD no frequency). This missense change has been observed in individuals with infantile cerebral and cerebellar atrophy (PMID: 20950787). ClinVar contains an entry for this variant (Variation ID: 18441). Advanced modeling of protein sequence and biophysical properties (such as structural, functional, and spatial information, amino acid conservation, physicochemical variation, residue mobility, and thermodynamic stability) has been performed at Invitae for this missense variant, however the output from this modeling did not meet the statistical confidence thresholds required to predict the impact of this variant on MED17 protein function. Experimental studies have shown that this missense change affects MED17 function (PMID: 20950787, 26240385). For these reasons, this variant has been classified as Pathogenic.

GeneDx
Classification: Pathogenic. Last evaluated: 2023-08-16. Review status: criteria provided, single submitter. Criteria: GeneDx Variant Classification Process June 2021. Collection method: clinical testing. Allele origin: germline. Affected: yes.
Comment: Published functional studies demonstrate L371P results in a functionally inactive protein (Kaufmann et al., 2010; Eyboulet et al., 2015); Not observed at significant frequency in large population cohorts (gnomAD); In silico analysis supports that this missense variant has a deleterious effect on protein structure/function; This variant is associated with the following publications: (PMID: 21840410, 33756211, 25446406, 33649303, 26240385, 20950787)

OMIM
Classification: Pathogenic for MICROCEPHALY, POSTNATAL PROGRESSIVE, WITH SEIZURES AND BRAIN ATROPHY. Last evaluated: 2010-11-12. Review status: no assertion criteria provided. Collection method: literature only. Allele origin: germline. Not counted in ClinVar's aggregate classification.

Literature cited by the submitters: PubMed 33756211 (cited by Natera, Inc.); PubMed 20950787 (cited by 3 submitters); PubMed 26240385 (cited by Labcorp Genetics (formerly Invitae), Labcorp).

NM_004268.5(MED17):c.1112T>C (p.Leu371Pro)

Gene: MED17 (mediator complex subunit 17; plus strand). Cytogenetic location: 11q21.
Variant type: single nucleotide variant.
Coding change: c.1112T>C on transcript NM_004268.5 (MANE Select); coding-DNA position 1112, T replaced by C.
Protein change: p.Leu371Pro; replaces leucine 371 with proline.
Molecular consequence: missense variant.
Genome position (GRCh38, 1-based): chr11:93,796,509, T>C. VCF-style: chr11-93796509-T-C. GRCh37 (hg19) VCF-style: chr11-93529675-T-C.
Other names: c.1112T>C (NM_004268.4); short protein forms L371P.
Identifiers: ClinVar variation 18441 (VCV000018441.11), dbSNP rs267607232, ClinGen allele CA117920.